The following is an entry in ClinVar:

ClinVar aggregate classification (germline): Pathogenic. Review status: criteria provided, multiple submitters, no conflicts (2 of 4 stars). 2 submissions from 2 submitters: Pathogenic (2). Last evaluated 2022-04-05.

Conditions:
Hereditary cancer-predisposing syndrome. Also called: Neoplastic Syndromes, Hereditary; Tumor predisposition; Hereditary neoplastic syndrome; Hereditary Cancer Syndrome. Identifiers: Orphanet 140162, MedGen C0027672, MeSH D009386, MONDO:0015356.
Hereditary breast ovarian cancer syndrome. Also called: Hereditary breast and ovarian cancer; Hereditary breast and/or ovarian cancer syndrome; BRCA1- and BRCA2-Associated Hereditary Breast and Ovarian Cancer; Hereditary breast and ovarian cancer syndrome; Hereditary breast and ovarian cancer syndrome (HBOC); Breast and ovarian cancer. Identifiers: Orphanet 145, MedGen C0677776, MeSH D061325, MONDO:0003582. Disease mechanism: loss of function.

Submissions (2):

Ambry Genetics
Classification: Pathogenic for Hereditary cancer-predisposing syndrome. Last evaluated: 2022-04-05. Review status: criteria provided, single submitter. Criteria: Ambry Variant Classification Scheme 2023. Collection method: clinical testing. Allele origin: germline.
Comment: The c.5066delC pathogenic mutation, located in coding exon 10 of the BRCA2 gene, results from a deletion of one nucleotide at nucleotide position 5066, causing a translational frameshift with a predicted alternate stop codon (p.A1689Efs*17). This variant is considered to be rare based on population cohorts in the Genome Aggregation Database (gnomAD). This alteration is expected to result in loss of function by premature protein truncation or nonsense-mediated mRNA decay. As such, this alteration is interpreted as a disease-causing mutation.

Labcorp Genetics (formerly Invitae), Labcorp
Classification: Pathogenic for Hereditary breast ovarian cancer syndrome. Last evaluated: 2021-08-17. Review status: criteria provided, single submitter. Criteria: Invitae Variant Classification Sherloc (09022015). Collection method: clinical testing. Allele origin: germline.
Comment: This sequence change creates a premature translational stop signal (p.Ala1689Glufs*17) in the BRCA2 gene. It is expected to result in an absent or disrupted protein product. Loss-of-function variants in BRCA2 are known to be pathogenic (PMID: 20104584). This variant is not present in population databases (ExAC no frequency). This variant has not been reported in the literature in individuals affected with BRCA2-related conditions. Algorithms developed to predict the effect of sequence changes on RNA splicing suggest that this variant may create or strengthen a splice site. For these reasons, this variant has been classified as Pathogenic.

Literature cited by the submitters: PubMed 20104584 (cited by Labcorp Genetics (formerly Invitae), Labcorp).

NM_000059.4(BRCA2):c.5066del (p.Ala1689fs)

Gene: BRCA2 (BRCA2 DNA repair associated; plus strand). Cytogenetic location: 13q13.1.
Variant type: Deletion.
Coding change: c.5066del on transcript NM_000059.4 (MANE Select); coding-DNA position 5066, one base deleted (C; older notation c.5066delC).
Protein change: p.Ala1689fs; shifts the reading frame from alanine 1689.
Molecular consequence: frameshift variant.
Genome position (GRCh38, 1-based): chr13:32,339,421, C deleted. VCF-style (leftmost placement, unchanged base first): chr13-32339420-GC-G. GRCh37 (hg19) VCF-style: chr13-32913557-GC-G.
Other names: short protein forms A1689fs.
Identifiers: ClinVar variation 1365044 (VCV001365044.8), dbSNP rs2137513666, ClinGen allele CA2573149322.